The following is an entry in ClinVar:

ClinVar aggregate classification (germline): Uncertain significance (1 of 4 stars; one submission).

gnomAD v4.1: 4 of 1,613,642 alleles (0.00025%); highest among the groups gnomAD compares: Admixed American, 0.0067%; no homozygotes.

Submission:

Labcorp Genetics (formerly Invitae), Labcorp
Classification: Uncertain significance. Last evaluated: 2024-12-12. Review status: criteria provided, single submitter. Criteria: Invitae Variant Classification Sherloc (09022015). Collection method: clinical testing. Allele origin: germline.
Comment: This sequence change replaces alanine, which is neutral and non-polar, with valine, which is neutral and non-polar, at codon 3067 of the SRCAP protein (p.Ala3067Val). This variant is present in population databases (rs763171139, gnomAD 0.006%). This variant has not been reported in the literature in individuals affected with SRCAP-related conditions. Invitae Evidence Modeling of protein sequence and biophysical properties (such as structural, functional, and spatial information, amino acid conservation, physicochemical variation, residue mobility, and thermodynamic stability) indicates that this missense variant is not expected to disrupt SRCAP protein function with a negative predictive value of 80%. In summary, the available evidence is currently insufficient to determine the role of this variant in disease. Therefore, it has been classified as a Variant of Uncertain Significance.

NM_006662.3(SRCAP):c.9200C>T (p.Ala3067Val)

Gene: SRCAP (Snf2 related CREBBP activator protein; plus strand). Cytogenetic location: 16p11.2.
Variant type: single nucleotide variant.
Coding change: c.9200C>T on transcript NM_006662.3 (MANE Select); coding-DNA position 9200, C replaced by T.
Protein change: p.Ala3067Val; replaces alanine 3067 with valine.
Molecular consequence: missense variant.
Genome position (GRCh38, 1-based): chr16:30,739,240, C>T. VCF-style: chr16-30739240-C-T. GRCh37 (hg19) VCF-style: chr16-30750561-C-T.
Other names: short protein forms A3067V.
Identifiers: ClinVar variation 3680216 (VCV003680216.2).